The following is an entry in ClinVar:

ClinVar aggregate classification (germline): Uncertain significance (1 of 4 stars; one submission).

gnomAD v4.1: 3 of 1,614,020 alleles (0.00019%); highest among the groups gnomAD compares: African/African-American, 0.004%; no homozygotes.

Submission:

GeneDx
Classification: Uncertain significance. Last evaluated: 2025-04-29. Review status: criteria provided, single submitter. Criteria: GeneDx Variant Classification Process June 2021. Collection method: clinical testing. Allele origin: germline. Affected: yes.
Comment: Not observed at significant frequency in large population cohorts (gnomAD); In silico analysis indicates that this missense variant does not alter protein structure/function; Has not been previously published as pathogenic or benign to our knowledge

NM_032237.5(POMK):c.812A>G (p.Asp271Gly)

Gene: POMK (protein O-mannose kinase; plus strand). Cytogenetic location: 8p11.21.
Variant type: single nucleotide variant.
Coding change: c.812A>G on transcript NM_032237.5 (MANE Select); coding-DNA position 812, A replaced by G.
Protein change: p.Asp271Gly; replaces aspartic acid 271 with glycine.
Molecular consequence: missense variant.
Genome position (GRCh38, 1-based): chr8:43,122,636, A>G. VCF-style: chr8-43122636-A-G. GRCh37 (hg19) VCF-style: chr8-42977779-A-G.
Other names: c.812A>G, p.Asp271Gly (NM_001277971.2); short protein forms D271G.
Identifiers: ClinVar variation 4527527 (VCV004527527.1).